The following is an entry in ClinVar:

ClinVar aggregate classification (germline): Uncertain significance (1 of 4 stars; one submission).

Conditions:
Telangiectasia, hereditary hemorrhagic, type 5 (HHT5). Identifiers: Orphanet 774, MedGen C3809710, MONDO:0014217, OMIM 615506.

Submission:

Labcorp Genetics (formerly Invitae), Labcorp
Classification: Uncertain significance for Telangiectasia, hereditary hemorrhagic, type 5. Last evaluated: 2020-09-02. Review status: criteria provided, single submitter. Criteria: Invitae Variant Classification Sherloc (09022015). Collection method: clinical testing. Allele origin: germline.
Comment: A gross deletion of the genomic region encompassing the full coding sequence of the GDF2 gene has been identified. The boundaries of this event are unknown as the deletion extends beyond the assayed region for this gene and therefore may encompass additional genes. Isolated whole-gene deletions of GDF2 have not been reported in the literature. However, larger copy number events that include this gene have been reported (PMID: 31661308). The current clinical and genetic evidence is not sufficient to establish whether loss-of-function variants in GDF2 cause disease. In summary, the available evidence is currently insufficient to determine the role of this variant in disease. Therefore, it has been classified as a Variant of Uncertain Significance.

Literature cited by the submitters: PubMed 31661308.

NC_000010.10:g.(?_48413568)_(48416703_?)del

Gene: GDF2 (growth differentiation factor 2; plus strand). Cytogenetic location: 10q11.22.
Variant type: Deletion.
Identifiers: ClinVar variation 1008075 (VCV001008075.1).